The following is an entry in ClinVar:

NC_000009.12:g.90801254A>G

Gene: SYK (spleen associated tyrosine kinase; plus strand). Cytogenetic location: 9q22.2.
Variant type: single nucleotide variant.
Genome position: GRCh38 VCF-style: chr9-90801254-A-G. GRCh37 (hg19) VCF-style: chr9-93563536-A-G.
Identifiers: ClinVar variation 1275221 (VCV001275221.2), dbSNP rs290986, ClinGen allele CA13087162.

ClinVar aggregate classification (germline): Benign (1 of 4 stars; one submission).

Allele frequency attached by ClinVar (database versions not stated): gnomAD 0.18297 and 0.18862; TOPMed 0.18547; 1000 Genomes Project 30x 0.23360; 1000 Genomes Project 0.24002.

Submission:

GeneDx
Classification: Benign. Last evaluated: 2020-11-02. Review status: criteria provided, single submitter. Criteria: GeneDx Variant Classification Process June 2021. Collection method: clinical testing. Allele origin: germline. Affected: yes.
Comment: This variant is associated with the following publications: (PMID: 25526461)